The following is an entry in ClinVar:

NM_000448.3(RAG1):c.432G>T (p.Lys144Asn)

Gene: RAG1 (recombination activating 1; plus strand). Cytogenetic location: 11p12.
Variant type: single nucleotide variant.
Coding change: c.432G>T on transcript NM_000448.3 (MANE Select); coding-DNA position 432, G replaced by T.
Protein change: p.Lys144Asn; replaces lysine 144 with asparagine.
Molecular consequence: missense variant.
Genome position (GRCh38, 1-based): chr11:36,573,736, G>T. VCF-style: chr11-36573736-G-T. GRCh37 (hg19) VCF-style: chr11-36595286-G-T.
Other names: c.432G>T, p.Lys144Asn (NM_001377277.1, NM_001377278.1, NM_001377279.1 and 1 more transcripts); short protein forms K144N.
Identifiers: ClinVar variation 639278 (VCV000639278.10), dbSNP rs144430517, ClinGen allele CA5949980.

ClinVar aggregate classification (germline): Uncertain significance. Review status: criteria provided, multiple submitters, no conflicts (2 of 4 stars). 2 submissions from 2 submitters: Uncertain significance (2). Last evaluated 2024-08-28.

Conditions:
Combined immunodeficiency with skin granulomas. Identifiers: Orphanet 157949, MedGen C2673536, MONDO:0009306, OMIM 233650.
Severe combined immunodeficiency, autosomal recessive, T cell-negative, B cell-negative, NK cell-positive. Also called: Severe combined immunodeficiency due to complete RAG1/2 deficiency; SCID, T CELL-NEGATIVE, B CELL-NEGATIVE, NK CELL-POSITIVE; SCID, AR, T-cell negative, B-cell negative, NK cell-positive. Identifiers: Orphanet 331206, MedGen C1832322, MONDO:0011086, OMIM 601457.
Combined immunodeficiency due to partial RAG1 deficiency. Identifiers: Orphanet 231154, MedGen C1835931, MONDO:0012359, OMIM 609889.
Histiocytic medullary reticulosis. Also called: SEVERE COMBINED IMMUNODEFICIENCY WITH HYPEREOSINOPHILIA; Omenn syndrome. Identifiers: Orphanet 39041, MedGen C2700553, MONDO:0011338, OMIM 603554.

Allele frequency attached by ClinVar (database versions not stated): ExAC 0.00003; TOPMed 0.00003; ESP Exome Variant Server 0.00008.
gnomAD v4.1: 77 of 1,613,914 alleles (0.0048%); highest among the groups gnomAD compares: Non-Finnish European, 0.0059%; no homozygotes.

Submissions (2):

Labcorp Genetics (formerly Invitae), Labcorp
Classification: Uncertain significance for Combined immunodeficiency with skin granulomas; Severe combined immunodeficiency, autosomal recessive, T cell-negative, B cell-negative, NK cell-positive. Last evaluated: 2024-08-28. Review status: criteria provided, single submitter. Criteria: Invitae Variant Classification Sherloc (09022015). Collection method: clinical testing. Allele origin: germline.
Comment: This sequence change replaces lysine, which is basic and polar, with asparagine, which is neutral and polar, at codon 144 of the RAG1 protein (p.Lys144Asn). This variant is present in population databases (rs144430517, gnomAD 0.007%). This variant has not been reported in the literature in individuals affected with RAG1-related conditions. ClinVar contains an entry for this variant (Variation ID: 639278). Invitae Evidence Modeling of protein sequence and biophysical properties (such as structural, functional, and spatial information, amino acid conservation, physicochemical variation, residue mobility, and thermodynamic stability) indicates that this missense variant is not expected to disrupt RAG1 protein function with a negative predictive value of 80%. In summary, the available evidence is currently insufficient to determine the role of this variant in disease. Therefore, it has been classified as a Variant of Uncertain Significance.

Fulgent Genetics
Classification: Uncertain significance for Combined immunodeficiency with skin granulomas; Severe combined immunodeficiency, autosomal recessive, T cell-negative, B cell-negative, NK cell-positive; Histiocytic medullary reticulosis; Combined immunodeficiency due to partial RAG1 deficiency. Last evaluated: 2022-03-05. Review status: criteria provided, single submitter. Criteria: ACMG Guidelines, 2015. Collection method: clinical testing. Allele origin: unknown.